The following is an entry in ClinVar:

ClinVar aggregate classification (germline): Likely benign. Review status: criteria provided, multiple submitters, no conflicts (2 of 4 stars). 3 submissions from 3 submitters: Likely benign (3). Last evaluated 2025-10-06.

Conditions:
DNMT3A-related disorder. Also called: DNMT3A-related disorders; DNMT3A-related condition.
Tatton-Brown-Rahman overgrowth syndrome. Also called: Tall stature-intellectual disability-facial dysmorphism syndrome; Tatton-Brown-Rahman syndrome. Identifiers: Orphanet 404443, MedGen C4014545, MONDO:0014382, OMIM 615879.
Inborn genetic diseases. Identifiers: MedGen C0950123, MeSH D030342.

Allele frequency attached by ClinVar (database versions not stated): gnomAD 0.00001; gnomAD exomes 0.00001; TOPMed 0.00001.
gnomAD v4.1: 5 of 1,614,054 alleles (0.00031%); highest among the groups gnomAD compares: South Asian, 0.0011%; no homozygotes.

Submissions (3):

PreventionGenetics, part of Exact Sciences
Classification: Likely benign for DNMT3A-related condition. Last evaluated: 2025-10-06. Review status: criteria provided, single submitter. Criteria: ACMG Guidelines, 2015. Collection method: clinical testing. Allele origin: germline.
Comment: This variant is classified as likely benign based on ACMG/AMP sequence variant interpretation guidelines (Richards et al. 2015 PMID: 25741868, with internal and published modifications).

Ambry Genetics
Classification: Likely benign for Inborn genetic diseases. Last evaluated: 2025-01-03. Review status: criteria provided, single submitter. Criteria: Ambry Variant Classification Scheme 2023. Collection method: clinical testing. Allele origin: germline.

Labcorp Genetics (formerly Invitae), Labcorp
Classification: Likely benign for Tatton-Brown-Rahman overgrowth syndrome. Last evaluated: 2023-05-02. Review status: criteria provided, single submitter. Criteria: Invitae Variant Classification Sherloc (09022015). Collection method: clinical testing. Allele origin: germline.

NM_022552.5(DNMT3A):c.1632T>G (p.Arg544=)

Gene: DNMT3A (DNA methyltransferase 3 alpha; minus strand). Cytogenetic location: 2p23.3.
Variant type: single nucleotide variant.
Coding change: c.1632T>G on transcript NM_022552.5 (MANE Select); coding-DNA position 1632, T replaced by G.
Protein change: p.Arg544=; no amino-acid change (arginine 544 retained).
Molecular consequence: synonymous variant. On other transcripts: non-coding transcript variant (1).
Genome position (GRCh38, 1-based): chr2:25,244,575, A>C on the plus strand (T>G on the coding strand, the complement: DNMT3A is on the minus strand). VCF-style: chr2-25244575-A-C. GRCh37 (hg19) VCF-style: chr2-25467444-A-C.
Other names: c.1065T>G, p.Arg355= (NM_153759.3); c.1632T>G, p.Arg544= (NM_175629.2); c.1632T>G (NM_022552.3); c.1176T>G, p.Arg392= (NM_001320893.1); c.963T>G, p.Arg321= (NM_001375819.1).
Identifiers: ClinVar variation 2905854 (VCV002905854.5), dbSNP rs1205059658, ClinGen allele CA425183194.